The following is an entry in ClinVar:

NM_002907.4(RECQL):c.316G>A (p.Gly106Arg)

Gene: RECQL (RecQ like helicase; minus strand). Cytogenetic location: 12p12.1.
Variant type: single nucleotide variant.
Coding change: c.316G>A on transcript NM_002907.4 (MANE Select); coding-DNA position 316, G replaced by A.
Protein change: p.Gly106Arg; replaces glycine 106 with arginine.
Molecular consequence: missense variant.
Genome position (GRCh38, 1-based): chr12:21,490,277, C>T on the plus strand (G>A on the coding strand, the complement: RECQL is on the minus strand). VCF-style: chr12-21490277-C-T. GRCh37 (hg19) VCF-style: chr12-21643211-C-T.
Other names: c.316G>A (NM_002907.3); c.316G>A, p.Gly106Arg (NM_032941.3); short protein forms G106R.
Identifiers: ClinVar variation 2969864 (VCV002969864.4), dbSNP rs2136749299, ClinGen allele CA384132771.

ClinVar aggregate classification (germline): Uncertain significance. Review status: criteria provided, multiple submitters, no conflicts (2 of 4 stars). 2 submissions from 2 submitters: Uncertain significance (2). Last evaluated 2024-02-02.

Allele frequency attached by ClinVar (database versions not stated): gnomAD exomes below 0.00001.
gnomAD v4.1: 3 of 1,612,774 alleles (0.00019%); highest among the groups gnomAD compares: South Asian, 0.0022%; no homozygotes.

Submissions (2):

Ambry Genetics
Classification: Uncertain significance. Last evaluated: 2024-02-02. Review status: criteria provided, single submitter. Criteria: Ambry Variant Classification Scheme 2023. Collection method: clinical testing. Allele origin: germline.
Comment: The p.G106R variant (also known as c.316G>A), located in coding exon 3 of the RECQL gene, results from a G to A substitution at nucleotide position 316. The glycine at codon 106 is replaced by arginine, an amino acid with dissimilar properties. This amino acid position is well conserved in available vertebrate species. In addition, the in silico prediction for this alteration is inconclusive. The evidence for this gene-disease relationship is limited; therefore, the clinical significance of this alteration is unclear.

Labcorp Genetics (formerly Invitae), Labcorp
Classification: Uncertain significance. Last evaluated: 2022-11-03. Review status: criteria provided, single submitter. Criteria: Invitae Variant Classification Sherloc (09022015). Collection method: clinical testing. Allele origin: germline.
Comment: In summary, the available evidence is currently insufficient to determine the role of this variant in disease. Therefore, it has been classified as a Variant of Uncertain Significance. Advanced modeling of protein sequence and biophysical properties (such as structural, functional, and spatial information, amino acid conservation, physicochemical variation, residue mobility, and thermodynamic stability) performed at Invitae indicates that this missense variant is not expected to disrupt RECQL protein function. This variant has not been reported in the literature in individuals affected with RECQL-related conditions. This variant is not present in population databases (gnomAD no frequency). This sequence change replaces glycine, which is neutral and non-polar, with arginine, which is basic and polar, at codon 106 of the RECQL protein (p.Gly106Arg).